The following is an entry in ClinVar:

NM_153460.4(IL17RC):c.106-109G>C

Gene: IL17RC (interleukin 17 receptor C; plus strand). Cytogenetic location: 3p25.3.
Variant type: single nucleotide variant.
Coding change: c.106-109G>C on transcript NM_153460.4 (MANE Select); 109 bases into the intron before coding-DNA position 106, G replaced by C.
Molecular consequence: intron variant. On other transcripts: missense variant (1).
Genome position (GRCh38, 1-based): chr3:9,917,604, G>C. VCF-style: chr3-9917604-G-C. GRCh37 (hg19) VCF-style: chr3-9959288-G-C.
Other names: c.289G>C, p.Gly97Arg (NM_153461.4); c.106-109G>C (NM_001203263.2, NM_001203264.2, NM_001367278.1 and 4 more transcripts); short protein forms G97R.
Identifiers: ClinVar variation 2105216 (VCV002105216.4), dbSNP rs781279005, ClinGen allele CA351754205.

ClinVar aggregate classification (germline): Uncertain significance (1 of 4 stars; one submission).

Conditions:
Candidiasis, familial, 9 (CANDF9). Identifiers: Orphanet 1334, MedGen C4225324, MONDO:0014642, OMIM 616445.

gnomAD v4.1: 1 of 1,614,182 alleles (0.000062%); highest among the groups gnomAD compares: Non-Finnish European, 0.000085%; no homozygotes.

Submission:

Labcorp Genetics (formerly Invitae), Labcorp
Classification: Uncertain significance for Candidiasis, familial, 9. Last evaluated: 2025-07-21. Review status: criteria provided, single submitter. Criteria: Invitae Variant Classification Sherloc (09022015). Collection method: clinical testing. Allele origin: germline.
Comment: This sequence change replaces glycine, which is neutral and non-polar, with arginine, which is basic and polar, at codon 97 of the IL17RC protein (p.Gly97Arg). This variant is not present in population databases (gnomAD no frequency). This variant has not been reported in the literature in individuals affected with IL17RC-related conditions. ClinVar contains an entry for this variant (Variation ID: 2105216). An algorithm developed to predict the effect of missense changes on protein structure and function outputs the following: PolyPhen-2: "Probably Damaging". The arginine amino acid residue is found in multiple mammalian species, which suggests that this missense change does not adversely affect protein function. In summary, the available evidence is currently insufficient to determine the role of this variant in disease. Therefore, it has been classified as a Variant of Uncertain Significance.